The following is an entry in ClinVar:

NM_000441.2(SLC26A4):c.304G>A (p.Gly102Arg)

Gene: SLC26A4 (solute carrier family 26 member 4; plus strand). Cytogenetic location: 7q22.3.
Variant type: single nucleotide variant.
Coding change: c.304G>A on transcript NM_000441.2 (MANE Select); coding-DNA position 304, G replaced by A.
Protein change: p.Gly102Arg; replaces glycine 102 with arginine.
Molecular consequence: missense variant.
Genome position (GRCh38, 1-based): chr7:107,663,435, G>A. VCF-style: chr7-107663435-G-A. GRCh37 (hg19) VCF-style: chr7-107303880-G-A.
Other names: short protein forms G102R.
Identifiers: ClinVar variation 1301849 (VCV001301849.22), dbSNP rs1219724284, ClinGen allele CA368845852.

ClinVar aggregate classification (germline): Pathogenic/Likely pathogenic. Review status: criteria provided, multiple submitters, no conflicts (2 of 4 stars). 9 submissions from 9 submitters: Pathogenic (6); Likely pathogenic (3). Last evaluated 2026-03-06.

Conditions:
Pendred syndrome (PDS). Also called: DEAFNESS WITH GOITER; GOITER-DEAFNESS SYNDROME; HYPOTHYROIDISM, CONGENITAL, DUE TO DYSHORMONOGENESIS, 2B; THYROID DYSHORMONOGENESIS 2B; THYROID HORMONOGENESIS, GENETIC DEFECT IN, 2B; Pendred's syndrome. Identifiers: Orphanet 705, MedGen C0271829, MONDO:0010134, OMIM 274600.
Autosomal recessive nonsyndromic hearing loss 4 (DFNB4). Also called: DEAFNESS, AUTOSOMAL RECESSIVE 4, WITH ENLARGED VESTIBULAR AQUEDUCT, DIGENIC; NEUROSENSORY NONSYNDROMIC RECESSIVE DEAFNESS 4; Enlarged vestibular aqueduct, digenic; Nonsyndromic enlarged vestibular aqueduct (NSEVA); FOXI1-Related Pendred Syndrome; KCNJ10-Related Pendred Syndrome. Identifiers: Orphanet 90636, MedGen C3538946, MONDO:0010933, OMIM 600791.

Allele frequency attached by ClinVar (database versions not stated): TOPMed 0.00001.
gnomAD v4.1: 2 of 1,614,042 alleles (0.00012%); highest among the groups gnomAD compares: Non-Finnish European, 0.00017%; no homozygotes.

Submissions (9):

GeneDx
Classification: Pathogenic. Last evaluated: 2026-03-06. Review status: criteria provided, single submitter. Criteria: GeneDx Variant Classification Process June 2021. Collection method: clinical testing. Allele origin: germline.
Comment: RNA studies demonstrate a damaging effect where exon 3 is skipped, leading to a premature stop (PMID: 32747562); Not observed at significant frequency in large population cohorts (gnomAD); In silico analysis supports that this missense variant has a deleterious effect on protein structure/function; This variant is associated with the following publications: (PMID: 27771369, 28281779, 28964290, 11932316, 19287372, 36553459, 32747562, 31033086)

Natera, Inc.
Classification: Pathogenic for Pendred syndrome. Last evaluated: 2025-04-12. Review status: criteria provided, single submitter. Criteria: Natera Variant Classification Schema (03/2026). Collection method: clinical testing. Allele origin: germline.
Comment: The c.304G>A variant in SLC26A4 is a missense variant predicted to cause substitution of glycine to arginine at amino acid 102. This variant is rare in the general population with a frequency below the threshold expected for the associated phenotype(s). This variant has been observed in one or more individuals affected with the associated recessive disease, as either homozygous or compound heterozygous with a second variant (PMID: 11932316, 28964290, 31541171). Functional studies show that this variant may disrupt protein function (PMID: 31033086). Another variant at this same site results in an alteration predicted to cause a similar molecular effect has been observed in individual(s) with the associated phenotype. Computational prediction algorithms indicate this variant is likely to affect gene or protein function. Given the available evidence, this variant is classified as Pathogenic.

3billion
Classification: Pathogenic for Autosomal recessive nonsyndromic hearing loss 4. Last evaluated: 2025-02-16. Review status: criteria provided, single submitter. Criteria: ACMG Guidelines, 2015. Collection method: clinical testing. Allele origin: germline. Affected: yes.
Comment: The variant is observed at an extremely low frequency in the gnomAD v4.1.0 dataset (total allele frequency: <0.001%). Predicted Consequence/Location: Missense variant Functional studies provide strong evidence of the variant having a damaging effect on the gene or gene product (PMID: 11932316). In silico tool predictions suggest damaging effect of the variant on gene or gene product [REVEL: 0.94 (>=0.6, sensitivity 0.68 and specificity 0.92); 3Cnet: 0.78 (>=0.6, sensitivity 0.72 and precision 0.9)]. The same nucleotide change resulting in the same amino acid change has been previously reported as pathogenic/likely pathogenic with strong evidence (ClinVar ID: VCV001301849 /PMID: 11932316). A different missense change at the same codon (p.Gly102Glu) has been reported to be associated with SLC26A4-related disorder (ClinVar ID: VCV003601769). Therefore, this variant is classified as Pathogenic according to the recommendation of ACMG/AMP guideline.

Fulgent Genetics
Classification: Pathogenic for Pendred syndrome; Autosomal recessive nonsyndromic hearing loss 4. Last evaluated: 2024-05-09. Review status: criteria provided, single submitter. Criteria: ACMG Guidelines, 2015. Collection method: clinical testing. Allele origin: germline.

Baylor Genetics
Classification: Likely pathogenic for Autosomal recessive nonsyndromic hearing loss 4. Last evaluated: 2023-12-04. Review status: criteria provided, single submitter. Criteria: ACMG Guidelines, 2015. Collection method: clinical testing. Allele origin: unknown.

Labcorp Genetics (formerly Invitae), Labcorp
Classification: Pathogenic. Last evaluated: 2023-11-27. Review status: criteria provided, single submitter. Criteria: Invitae Variant Classification Sherloc (09022015). Collection method: clinical testing. Allele origin: germline.
Comment: This sequence change replaces glycine, which is neutral and non-polar, with arginine, which is basic and polar, at codon 102 of the SLC26A4 protein (p.Gly102Arg). This variant also falls at the last nucleotide of exon 3, which is part of the consensus splice site for this exon. This variant is not present in population databases (gnomAD no frequency). This missense change has been observed in individuals with SLC26A4-related conditions (PMID: 11932316, 32747562). ClinVar contains an entry for this variant (Variation ID: 1301849). An algorithm developed to predict the effect of missense changes on protein structure and function (PolyPhen-2) suggests that this variant is likely to be disruptive. Experimental studies have shown that this missense change affects SLC26A4 function (PMID: 11932316). Variants that disrupt the consensus splice site are a relatively common cause of aberrant splicing (PMID: 17576681, 9536098). Studies have shown that this missense change alters mRNA splicing and is expected to lead to the loss of protein expression (PMID: 31033086, 32747562). For these reasons, this variant has been classified as Pathogenic.

Revvity Omics, Revvity
Classification: Likely pathogenic. Last evaluated: 2022-02-02. Review status: criteria provided, single submitter. Criteria: ACMG Guidelines, 2015. Collection method: clinical testing. Allele origin: germline.

King Laboratory, University of Washington
Classification: Pathogenic for Autosomal recessive nonsyndromic hearing loss 4. Last evaluated: 2020-08-01. Review status: criteria provided, single submitter. Criteria: Abu Rayyan A et al. (Proc Natl Acad Sci U S A 2020). Collection method: research. Allele origin: germline. Affected: yes.
Comment: Analysis of patient-derived RNA indicates that SLC26A4 c.304G>A leads to skipping of exon 3 (140bp) in message, with stop at codon 134 (Abu Rayyan 2020). The variant is homozygous in 6 children from 2 Palestinian families with severe to profound pre-lingual hearing loss (Abu Rayyan 2020). It is absent from 1300 Palestinian controls and from gnomAD v2.1.1.

Dubai Health Genomic Medicine Center, Dubai Health
Classification: Likely pathogenic. Last evaluated: 2020-02-11. Review status: criteria provided, single submitter. Criteria: ACMG Guidelines, 2015. Collection method: clinical testing. Allele origin: germline. Affected: yes.
Comment: The Gly102Arg variant in SLC26A4 was reported in homozygous state in two unrelated patients with Pendred syndrome or sensorineural hearing loss (PMIDs: 11932316 and 28964290). It was also identified in 1/251356 total alleles in the Genome Aggregation Database (gnomAD). This variant was reported to result in abnormal trafficking of the protein and loss of iodide efflux (PMID: 11932316). Structural analysis predicted that the molecular effect of this variant was insertion of charged residue in a hydrophobic region at interface between transmembrane domains TM1 and TM11 (PMID: 27771369). Furthermore RNA analysis showed that the c.304G>A causes exon skipping which is then expected to lead to a truncated or absent protein (PMID: 31033086). In summary this variant meets our criteria to be classified as likely pathogenic.

Literature cited by the submitters: PubMed 11932316 (cited by 3 submitters); PubMed 28964290 (cited by Natera, Inc.); PubMed 31541171 (cited by Natera, Inc.); PubMed 31033086 (cited by Natera, Inc. and Labcorp Genetics (formerly Invitae), Labcorp); PubMed 32747562 (cited by Labcorp Genetics (formerly Invitae), Labcorp); PubMed 17576681 (cited by Labcorp Genetics (formerly Invitae), Labcorp); PubMed 9536098 (cited by Labcorp Genetics (formerly Invitae), Labcorp).